The following is an entry in ClinVar:

ClinVar aggregate classification (germline): Uncertain significance. Review status: criteria provided, multiple submitters, no conflicts (2 of 4 stars). 2 submissions from 2 submitters: Uncertain significance (2). Last evaluated 2025-11-21.

Conditions:
EPILEPSY, CHILDHOOD ABSENCE, SUSCEPTIBILITY TO, 2 (ECA2). Identifiers: Orphanet 64280, MedGen C1843244, OMIM 607681.
Febrile seizures, familial, 8 (FEB8). Also called: CONVULSIONS, FAMILIAL FEBRILE, 8. Identifiers: Orphanet 36387, MedGen C1969810, MONDO:0011891, OMIM 607681.

Allele frequency attached by ClinVar (database versions not stated): gnomAD exomes below 0.00001.
gnomAD v4.1: 2 of 1,613,856 alleles (0.00012%); highest among the groups gnomAD compares: Non-Finnish European, 0.00017%; no homozygotes.

Submissions (2):

GeneDx
Classification: Uncertain significance. Last evaluated: 2025-11-21. Review status: criteria provided, single submitter. Criteria: GeneDx Variant Classification Process June 2021. Collection method: clinical testing. Allele origin: germline. Affected: yes.
Comment: Not observed at significant frequency in large population cohorts (gnomAD); In silico analysis supports that this missense variant has a deleterious effect on protein structure/function; Has not been previously published as pathogenic or benign to our knowledge; This variant is associated with the following publications: (PMID: 38014242)

Labcorp Genetics (formerly Invitae), Labcorp
Classification: Uncertain significance for Febrile seizures, familial, 8; EPILEPSY, CHILDHOOD ABSENCE, SUSCEPTIBILITY TO, 2. Last evaluated: 2023-09-10. Review status: criteria provided, single submitter. Criteria: Invitae Variant Classification Sherloc (09022015). Collection method: clinical testing. Allele origin: germline.
Comment: Advanced modeling of protein sequence and biophysical properties (such as structural, functional, and spatial information, amino acid conservation, physicochemical variation, residue mobility, and thermodynamic stability) performed at Invitae indicates that this missense variant is expected to disrupt GABRG2 protein function. This sequence change replaces threonine, which is neutral and polar, with alanine, which is neutral and non-polar, at codon 311 of the GABRG2 protein (p.Thr311Ala). This variant is not present in population databases (gnomAD no frequency). This variant has not been reported in the literature in individuals affected with GABRG2-related conditions. ClinVar contains an entry for this variant (Variation ID: 1209256). In summary, the available evidence is currently insufficient to determine the role of this variant in disease. Therefore, it has been classified as a Variant of Uncertain Significance.

NM_198904.4(GABRG2):c.931A>G (p.Thr311Ala)

Gene: GABRG2 (gamma-aminobutyric acid type A receptor subunit gamma2; plus strand). Cytogenetic location: 5q34.
Variant type: single nucleotide variant.
Coding change: c.931A>G on transcript NM_198904.4 (MANE Select); coding-DNA position 931, A replaced by G.
Protein change: p.Thr311Ala; replaces threonine 311 with alanine.
Molecular consequence: missense variant. On other transcripts: intron variant (1).
Genome position (GRCh38, 1-based): chr5:162,149,116, A>G. VCF-style: chr5-162149116-A-G. GRCh37 (hg19) VCF-style: chr5-161576122-A-G.
Other names: c.931A>G, p.Thr311Ala (NM_000816.3); c.922A>G, p.Thr308Ala (NM_001375339.1); c.928A>G, p.Thr310Ala (NM_001375341.1, NM_001375342.1); c.1051A>G, p.Thr351Ala (NM_001375343.1, NM_198903.2); c.970A>G, p.Thr324Ala (NM_001375344.1); c.865A>G, p.Thr289Ala (NM_001375345.1, NM_001375346.1); c.844A>G, p.Thr282Ala (NM_001375347.1); c.511A>G, p.Thr171Ala (NM_001375348.1, NM_001375350.1); and 2 more; short protein forms T171A, T216A, T282A, T289A, T308A, T310A, T311A, T324A.
Identifiers: ClinVar variation 1209256 (VCV001209256.8), dbSNP rs2113632510, ClinGen allele CA362182313.